The following is an entry in ClinVar:

NM_006767.4(LZTR1):c.1192G>T (p.Asp398Tyr)

Gene: LZTR1 (leucine zipper like post translational regulator 1; plus strand). Cytogenetic location: 22q11.21.
Variant type: single nucleotide variant.
Coding change: c.1192G>T on transcript NM_006767.4 (MANE Select); coding-DNA position 1192, G replaced by T.
Protein change: p.Asp398Tyr; replaces aspartic acid 398 with tyrosine.
Molecular consequence: missense variant.
Genome position (GRCh38, 1-based): chr22:20,992,836, G>T. VCF-style: chr22-20992836-G-T. GRCh37 (hg19) VCF-style: chr22-21347125-G-T.
Other names: short protein forms D398Y.
Identifiers: ClinVar variation 4736651 (VCV004736651.1).

ClinVar aggregate classification (germline): Uncertain significance (1 of 4 stars; one submission).

Submission:

Labcorp Genetics (formerly Invitae), Labcorp
Classification: Uncertain significance. Last evaluated: 2025-02-13. Review status: criteria provided, single submitter. Criteria: Invitae Variant Classification Sherloc (09022015). Collection method: clinical testing. Allele origin: germline.
Comment: This sequence change replaces aspartic acid, which is acidic and polar, with tyrosine, which is neutral and polar, at codon 398 of the LZTR1 protein (p.Asp398Tyr). This variant is not present in population databases (gnomAD no frequency). This variant has not been reported in the literature in individuals affected with LZTR1-related conditions. Invitae Evidence Modeling of protein sequence and biophysical properties (such as structural, functional, and spatial information, amino acid conservation, physicochemical variation, residue mobility, and thermodynamic stability) indicates that this missense variant is not expected to disrupt LZTR1 protein function with a negative predictive value of 80%. In summary, the available evidence is currently insufficient to determine the role of this variant in disease. Therefore, it has been classified as a Variant of Uncertain Significance.